The following is an entry in ClinVar:

NM_001277115.2(DNAH11):c.2832dup (p.Gln945fs)

Gene: DNAH11 (dynein axonemal heavy chain 11; plus strand). Cytogenetic location: 7p15.3.
Variant type: Duplication.
Coding change: c.2832dup on transcript NM_001277115.2 (MANE Select); coding-DNA position 2832, one base duplicated (T; older notation c.2832dupT).
Protein change: p.Gln945fs; shifts the reading frame from glutamine 945.
Molecular consequence: frameshift variant.
Genome position (GRCh38, 1-based): chr7:21,599,951, T duplicated; the last of 6 consecutive T bases (chr7:21,599,946-21,599,951); duplicating any one gives the same sequence. VCF-style (leftmost placement, unchanged base first): chr7-21599945-G-GT. GRCh37 (hg19) VCF-style: chr7-21639563-G-GT.
Other names: NM_001277115.2:c.2832dup; short protein forms Q945fs.
Identifiers: ClinVar variation 3776913 (VCV003776913.1).
Genomic context (GRCh38, chr7:21,599,945, plus strand): 5'-TATAATGCACGACTTAGACTTCTTTCTGAAGAATACAGAGAAACAATTGAAACCGGCACC[G>GT]TTTTTTCAAGCACAAATGATCTTGTTGCCTCCTGAGATTGTGTTTAAACCTTCCCTAGAC-3'

ClinVar aggregate classification (germline): Uncertain significance (1 of 4 stars; one submission).

Conditions:
Primary ciliary dyskinesia 7. Also called: CILIARY DYSKINESIA, PRIMARY, 7, WITH OR WITHOUT SITUS INVERSUS. Identifiers: Orphanet 244, MedGen C2678473, MONDO:0012748, OMIM 611884.

Submission:

Broad Center for Mendelian Genomics, Broad Institute of MIT and Harvard
Classification: Uncertain significance for Primary ciliary dyskinesia 7. Last evaluated: 2025-02-11. Review status: criteria provided, single submitter. Criteria: ACMG Guidelines, 2015. Collection method: curation. Allele origin: germline. Inheritance: Autosomal recessive inheritance.
Comment: The p.Gln945SerfsTer10 variant in DNAH11 has been reported in 1 individual with primary ciliary dyskinesia (PMID: 29467202), and has been identified in 0.0005% (6/1179384) of European (non-Finnish) chromosomes by the Genome Aggregation Database (gnomAD). Although this variant has been seen in the general population in a heterozygous state, its frequency is low enough to be consistent with a recessive carrier frequency. It is of note that this variant occurs in a homopolymer repeat, which could indicate that it exists as an artifact from sequencing. However, disease-causing variants have been reported in homopolymer regions, so this is not enough to rule out a pathogenic role. This variant is predicted to cause a frameshift, which alters the protein's amino acid sequence beginning at position 945 and leads to a premature termination codon 10 amino acids downstream. This alteration is then predicted to lead to a truncated or absent protein. Loss of function of the DNAH11 gene is an established disease mechanism in autosomal recessive primary ciliary dyskinesia. In summary, the clinical significance of the p.Gln945SerfsTer10 variant is uncertain. ACMG/AMP Criteria applied: PVS1, PM2_supporting (Richards 2015).